The following is an entry in ClinVar:

NM_001793.6(CDH3):c.1214C>T (p.Thr405Ile)

Gene: CDH3 (cadherin 3; plus strand). Cytogenetic location: 16q22.1.
Variant type: single nucleotide variant.
Coding change: c.1214C>T on transcript NM_001793.6 (MANE Select); coding-DNA position 1214, C replaced by T.
Protein change: p.Thr405Ile; replaces threonine 405 with isoleucine.
Molecular consequence: missense variant.
Genome position (GRCh38, 1-based): chr16:68,684,614, C>T. VCF-style: chr16-68684614-C-T. GRCh37 (hg19) VCF-style: chr16-68718517-C-T.
Other names: c.1214C>T, p.Thr405Ile (NM_001317195.3); c.1049C>T, p.Thr350Ile (NM_001317196.2); short protein forms T350I, T405I.
Identifiers: ClinVar variation 1481038 (VCV001481038.6), dbSNP rs746238967, ClinGen allele CA8129296.

ClinVar aggregate classification (germline): Uncertain significance (1 of 4 stars; one submission).

Allele frequency attached by ClinVar (database versions not stated): ExAC 0.00001.
gnomAD v4.1: 9 of 1,614,084 alleles (0.00056%); highest among the groups gnomAD compares: Admixed American, 0.013%; no homozygotes.

Submission:

Labcorp Genetics (formerly Invitae), Labcorp
Classification: Uncertain significance. Last evaluated: 2024-02-20. Review status: criteria provided, single submitter. Criteria: Invitae Variant Classification Sherloc (09022015). Collection method: clinical testing. Allele origin: germline.
Comment: This sequence change replaces threonine, which is neutral and polar, with isoleucine, which is neutral and non-polar, at codon 405 of the CDH3 protein (p.Thr405Ile). This variant is present in population databases (rs746238967, gnomAD 0.02%). This variant has not been reported in the literature in individuals affected with CDH3-related conditions. ClinVar contains an entry for this variant (Variation ID: 1481038). Algorithms developed to predict the effect of missense changes on protein structure and function output the following: SIFT: "Not Available"; PolyPhen-2: "Benign"; Align-GVGD: "Not Available". The isoleucine amino acid residue is found in multiple mammalian species, which suggests that this missense change does not adversely affect protein function. In summary, the available evidence is currently insufficient to determine the role of this variant in disease. Therefore, it has been classified as a Variant of Uncertain Significance.